The following is an entry in ClinVar:

NM_000138.5(FBN1):c.6036A>G (p.Glu2012=)

Gene: FBN1 (fibrillin 1; minus strand). Cytogenetic location: 15q21.1.
Variant type: single nucleotide variant.
Coding change: c.6036A>G on transcript NM_000138.5 (MANE Select); coding-DNA position 6036, A replaced by G.
Protein change: p.Glu2012=; no amino-acid change (glutamic acid 2012 retained).
Molecular consequence: synonymous variant.
Genome position (GRCh38, 1-based): chr15:48,444,542, T>C on the plus strand (A>G on the coding strand, the complement: FBN1 is on the minus strand). VCF-style: chr15-48444542-T-C. GRCh37 (hg19) VCF-style: chr15-48736739-T-C.
Identifiers: ClinVar variation 655493 (VCV000655493.2), dbSNP rs1597531690, ClinGen allele CA490021952.
Genomic context (GRCh38, chr15:48,444,542, plus strand): 5'-CTGCTAAGTCCAGTGGACACCCGACACTCCTCATTTGCTACAACTGATAGCTTTCCTACC[T>C]TCACACTTCTCATTTTGAAGACTGTATCCAGGTGGGCAAATGCATCTGTAGGACCCATCC-3'
Protein context (NP_000129.3, residues 2002-2022): PGYSLQNEKC[Glu2012=]DIDECVEEPE

ClinVar aggregate classification (germline): Uncertain significance. Review status: criteria provided, multiple submitters, no conflicts (2 of 4 stars). 2 submissions from 2 submitters: Uncertain significance (2). Last evaluated 2022-08-25.

Conditions:
Familial thoracic aortic aneurysm and aortic dissection (TAAD). Also called: Thoracic aortic aneurysms and dissections. Identifiers: Orphanet 91387, MedGen C4707243, MONDO:0019625.
Marfan syndrome (MFS). Also called: FBN1-Related Marfan Syndrome; Marfan syndrome type 1; Marfan's syndrome; Marfan syndrome, classic; MARFAN SYNDROME, TYPE I. Identifiers: Orphanet 284963, Orphanet 558, MedGen C0024796, MONDO:0007947, OMIM 154700.

Submissions (2):

Blueprint Genetics
Classification: Uncertain significance. Last evaluated: 2022-08-25. Review status: criteria provided, single submitter. Criteria: ACMG Guidelines, 2015. Collection method: clinical testing. Allele origin: germline.

Labcorp Genetics (formerly Invitae), Labcorp
Classification: Uncertain significance for Marfan syndrome; Familial thoracic aortic aneurysm and aortic dissection. Last evaluated: 2018-12-04. Review status: criteria provided, single submitter. Criteria: Invitae Variant Classification Sherloc (09022015). Collection method: clinical testing. Allele origin: germline.
Comment: This sequence change affects codon 2012 of the FBN1 mRNA. It is a 'silent' change, meaning that it does not change the encoded amino acid sequence of the FBN1 protein. This variant is not present in population databases (ExAC no frequency). This variant has not been reported in the literature in individuals with FBN1-related conditions. Algorithms developed to predict the effect of sequence changes on RNA splicing suggest that this variant may disrupt the consensus splice site, but this prediction has not been confirmed by published transcriptional studies. In summary, the available evidence is currently insufficient to determine the role of this variant in disease. Therefore, it has been classified as a Variant of Uncertain Significance.